The following is an entry in ClinVar:

NM_181703.4(GJA5):c.726G>A (p.Arg242=)

Genes: GJA5 (gap junction protein alpha 5; minus strand), LOC122128420 (Sharpr-MPRA regulatory region 3144; plus strand). Cytogenetic location: 1q21.2.
Variant type: single nucleotide variant.
Coding change: c.726G>A on transcript NM_181703.4 (MANE Select); coding-DNA position 726, G replaced by A.
Protein change: p.Arg242=; no amino-acid change (arginine 242 retained).
Molecular consequence: synonymous variant.
Genome position (GRCh38, 1-based): chr1:147,758,513, C>T on the plus strand (G>A on the coding strand, the complement: GJA5 is on the minus strand). VCF-style: chr1-147758513-C-T. GRCh37 (hg19) VCF-style: chr1-147230621-C-T.
Other names: c.726G>A, p.Arg242= (NM_005266.7).
Identifiers: ClinVar variation 696597 (VCV000696597.38), dbSNP rs150432230, ClinGen allele CA1065725.

ClinVar aggregate classification (germline): Benign/Likely benign. Review status: criteria provided, multiple submitters, no conflicts (2 of 4 stars). 5 submissions from 5 submitters: Benign (2); Likely benign (3). Last evaluated 2026-01-15.

Conditions:
Atrial fibrillation, familial, 11 (ATFB11). Identifiers: MedGen C3279693, MONDO:0013544, OMIM 614049.
Atrial standstill 1 (ATRST1). Also called: Atrial standstill, digenic (GJA5/SCN5A); ATRIAL CARDIOMYOPATHY WITH HEART BLOCK; CARDIOMYOPATHY, FAMILIAL, WITH CONDUCTION DISTURBANCE. Identifiers: Orphanet 1344, MedGen C4551959, MONDO:0007171, OMIM 108770.

Allele frequency attached by ClinVar (database versions not stated): gnomAD exomes 0.00009 and 0.00024; ExAC 0.00031; gnomAD 0.00100 and 0.00109; ESP Exome Variant Server 0.00108; TOPMed 0.00127; 1000 Genomes Project 0.00160; 1000 Genomes Project 30x 0.00187.
gnomAD v4.1: 298 of 1,614,066 alleles (0.018%); highest among the groups gnomAD compares: African/African-American, 0.35%; 3 homozygotes.

Submissions (5):

Labcorp Genetics (formerly Invitae), Labcorp
Classification: Benign for Atrial fibrillation, familial, 11; Atrial standstill 1. Last evaluated: 2026-01-15. Review status: criteria provided, single submitter. Criteria: Invitae Variant Classification Sherloc (09022015). Collection method: clinical testing. Allele origin: germline.

Blueprint Genetics
Classification: Likely benign. Last evaluated: 2024-06-28. Review status: criteria provided, single submitter. Criteria: ACMG Guidelines, 2015. Collection method: clinical testing. Allele origin: germline.

Women's Health and Genetics/Laboratory Corporation of America, LabCorp
Classification: Benign. Last evaluated: 2024-04-08. Review status: criteria provided, single submitter. Criteria: LabCorp Variant Classification Summary - May 2015. Collection method: clinical testing. Allele origin: germline.

CeGaT Center for Human Genetics Tuebingen
Classification: Likely benign. Last evaluated: 2023-08-01. Review status: criteria provided, single submitter. Criteria: CeGaT Center For Human Genetics Tuebingen Variant Classification Criteria Version 2. Collection method: clinical testing. Allele origin: germline. Affected: yes. Observed: 1 variant allele.
Comment: GJA5: BP4, BP7, BS2

GeneDx
Classification: Likely benign. Last evaluated: 2019-06-05. Review status: criteria provided, single submitter. Criteria: GeneDx Variant Classification Process June 2021. Collection method: clinical testing. Allele origin: germline. Affected: yes.